The following is an entry in ClinVar:

ClinVar aggregate classification (germline): Uncertain significance (1 of 4 stars; one submission).

gnomAD v4.1: 3 of 1,614,004 alleles (0.00019%); highest among the groups gnomAD compares: African/African-American, 0.004%; no homozygotes.

Submission:

Labcorp Genetics (formerly Invitae), Labcorp
Classification: Uncertain significance. Last evaluated: 2022-11-25. Review status: criteria provided, single submitter. Criteria: Invitae Variant Classification Sherloc (09022015). Collection method: clinical testing. Allele origin: germline.
Comment: In summary, the available evidence is currently insufficient to determine the role of this variant in disease. Therefore, it has been classified as a Variant of Uncertain Significance. Algorithms developed to predict the effect of missense changes on protein structure and function are either unavailable or do not agree on the potential impact of this missense change (SIFT: "Deleterious"; PolyPhen-2: "Probably Damaging"; Align-GVGD: "Class C0"). This variant has not been reported in the literature in individuals affected with KIAA1549-related conditions. This variant is present in population databases (no rsID available, gnomAD 0.007%). This sequence change replaces valine, which is neutral and non-polar, with methionine, which is neutral and non-polar, at codon 251 of the KIAA1549 protein (p.Val251Met).

NM_001164665.2(KIAA1549):c.751G>A (p.Val251Met)

Gene: KIAA1549 (KIAA1549; minus strand). Cytogenetic location: 7q34.
Variant type: single nucleotide variant.
Coding change: c.751G>A on transcript NM_001164665.2 (MANE Select); coding-DNA position 751, G replaced by A.
Protein change: p.Val251Met; replaces valine 251 with methionine.
Molecular consequence: missense variant.
Genome position (GRCh38, 1-based): chr7:138,918,875, C>T on the plus strand (G>A on the coding strand, the complement: KIAA1549 is on the minus strand). VCF-style: chr7-138918875-C-T. GRCh37 (hg19) VCF-style: chr7-138603621-C-T.
Other names: c.751G>A, p.Val251Met (NM_020910.3); short protein forms V251M.
Identifiers: ClinVar variation 2791492 (VCV002791492.3), dbSNP rs1200936464, ClinGen allele CA369402003.